The following is an entry in ClinVar:

NM_000522.5(HOXA13):c.884A>C (p.Gln295Pro)

Genes: HOXA13 (homeobox A13; minus strand), LOC107126288 (NUP98-HOXA13 recombination region; plus strand). Cytogenetic location: 7p15.2.
Variant type: single nucleotide variant.
Coding change: c.884A>C on transcript NM_000522.5 (MANE Select); coding-DNA position 884, A replaced by C.
Protein change: p.Gln295Pro; replaces glutamine 295 with proline.
Molecular consequence: missense variant.
Genome position (GRCh38, 1-based): chr7:27,199,194, T>G on the plus strand (A>C on the coding strand, the complement: HOXA13 is on the minus strand). VCF-style: chr7-27199194-T-G. GRCh37 (hg19) VCF-style: chr7-27238813-T-G.
Other names: short protein forms Q295P.
Identifiers: ClinVar variation 3234927 (VCV003234927.2), dbSNP rs557028335, ClinGen allele CA4198601.

ClinVar aggregate classification (germline): Conflicting classifications of pathogenicity. Review status: criteria provided, conflicting classifications (1 of 4 stars). 2 submissions from 2 submitters: Uncertain significance (1); Likely benign (1). Last evaluated 2022-10-18.

Conditions:
Hand-foot-genital syndrome (HFG). Also called: Hand-Foot-Uterus Syndrome; HFU syndrome; HFG syndrome. Identifiers: Orphanet 2438, MedGen C1841679, MONDO:0007698, OMIM 140000.

Allele frequency attached by ClinVar (database versions not stated): gnomAD 0.00001; gnomAD exomes 0.00002; ExAC 0.00008.
gnomAD v4.1: 32 of 1,612,702 alleles (0.002%); highest among the groups gnomAD compares: South Asian, 0.034%; no homozygotes.

Submissions (2):

Blueprint Genetics
Classification: Likely benign. Last evaluated: 2022-10-18. Review status: criteria provided, single submitter. Criteria: ACMG Guidelines, 2015. Collection method: clinical testing. Allele origin: germline.

Neuberg Centre For Genomic Medicine, NCGM
Classification: Uncertain significance for Hand-foot-genital syndrome. Review status: criteria provided, single submitter. Criteria: ACMG Guidelines, 2015. Collection method: clinical testing. Allele origin: germline. Inheritance: Autosomal dominant inheritance. Affected: yes.
Comment: The missense c.884A>Cp.Gln295Pro variant in HOXA13 gene has not been reported previously as a pathogenic variant nor a benign variant, to our knowledge. The p.Gln295Pro variant has been reported with allele frequency of 0.006% in gnomAD Exomes and is novel not in any individuals in 1000 Genomes. This variant has not been reported to the ClinVar database. The amino acid change p.Gln295Pro in HOXA13 is predicted as conserved by GERP++ and PhyloP across 100 vertebrates. The amino acid Gln at position 295 is changed to a Pro changing protein sequence and it might alter its composition and physico-chemical properties. For these reasons, this variant has been classified as a Variant of Uncertain Significance VUS.